The following is an entry in ClinVar:

NM_001451.3(FOXF1):c.166C>G (p.Leu56Val)

Gene: FOXF1 (forkhead box F1; plus strand). Cytogenetic location: 16q24.1.
Variant type: single nucleotide variant.
Coding change: c.166C>G on transcript NM_001451.3 (MANE Select); coding-DNA position 166, C replaced by G.
Protein change: p.Leu56Val; replaces leucine 56 with valine.
Molecular consequence: missense variant.
Genome position (GRCh38, 1-based): chr16:86,510,735, C>G. VCF-style: chr16-86510735-C-G. GRCh37 (hg19) VCF-style: chr16-86544341-C-G.
Other names: short protein forms L56V.
Identifiers: ClinVar variation 869491 (VCV000869491.3), dbSNP rs1969548621, ClinGen allele CA397005375.
Genomic context (GRCh38, chr16:86,510,735, plus strand): 5'-GCCAAGAAGACCAACGCCGGCATCCGGCGCCCGGAGAAGCCGCCCTATTCCTACATCGCG[C>G]TCATCGTCATGGCCATCCAGAGTTCACCCACCAAGCGCCTGACGCTGAGCGAGATCTACC-3'
Protein context (NP_001442.2, residues 46-66): PEKPPYSYIA[Leu56Val]IVMAIQSSPT

ClinVar aggregate classification (germline): Likely pathogenic. Review status: criteria provided, multiple submitters, no conflicts (2 of 4 stars). 2 submissions from 2 submitters: Likely pathogenic (2). Last evaluated 2022-07-20.

Conditions:
Alveolar capillary dysplasia with pulmonary venous misalignment. Also called: Congenital alveolar capillary dysplasia; Alveolar capillary dysplasia with misalignment of pulmonary veins; ALVEOLAR CAPILLARY DYSPLASIA WITH MISALIGNMENT OF PULMONARY VEINS AND OTHER CONGENITAL ANOMALIES. Identifiers: Orphanet 210122, MedGen C2960310, MONDO:0009934, OMIM 265380.

Submissions (2):

Laboratoire Génétique Moléculaire, CHRU TOURS
Classification: Likely pathogenic for Alveolar capillary dysplasia with pulmonary venous misalignment. Last evaluated: 2022-07-20. Review status: criteria provided, single submitter. Criteria: ACMG Guidelines, 2015. Collection method: clinical testing. Allele origin: de novo. Affected: yes.
Comment: PS2;PM2;PP3;PP4

Clinical Genetics, Erasmus University Medical Center
Classification: Likely pathogenic for Alveolar capillary dysplasia with pulmonary venous misalignment. Last evaluated: 2019-12-01. Review status: criteria provided, single submitter. Criteria: ACMG Guidelines, 2015. Collection method: research. Allele origin: unknown. Affected: yes. Observed: 1 variant allele.